The following is an entry in ClinVar:

NM_000059.4(BRCA2):c.4720A>G (p.Lys1574Glu)

Gene: BRCA2 (BRCA2 DNA repair associated; plus strand). Cytogenetic location: 13q13.1.
Variant type: single nucleotide variant.
Coding change: c.4720A>G on transcript NM_000059.4 (MANE Select); coding-DNA position 4720, A replaced by G.
Protein change: p.Lys1574Glu; replaces lysine 1574 with glutamic acid.
Molecular consequence: missense variant.
Genome position (GRCh38, 1-based): chr13:32,339,075, A>G. VCF-style: chr13-32339075-A-G. GRCh37 (hg19) VCF-style: chr13-32913212-A-G.
Other names: c.4720A>G, p.Lys1574Glu (NM_001406719.1, NM_001406720.1); short protein forms K1574E.
Identifiers: ClinVar variation 1742661 (VCV001742661.5), dbSNP rs2137509444, ClinGen allele CA387782973.

ClinVar aggregate classification (germline): Conflicting classifications of pathogenicity. Review status: criteria provided, conflicting classifications (1 of 4 stars). 2 submissions from 2 submitters: Uncertain significance (1); Likely benign (1). Last evaluated 2024-05-22.

Conditions:
Hereditary cancer-predisposing syndrome. Also called: Hereditary Cancer Syndrome; Hereditary neoplastic syndrome; Neoplastic Syndromes, Hereditary; Tumor predisposition. Identifiers: Orphanet 140162, MedGen C0027672, MeSH D009386, MONDO:0015356.

Allele frequency attached by ClinVar (database versions not stated): gnomAD exomes below 0.00001.
gnomAD v4.1: 1 of 1,614,038 alleles (0.000062%); highest among the groups gnomAD compares: Non-Finnish European, 0.000085%; no homozygotes.

Submissions (2):

Ambry Genetics
Classification: Uncertain significance for Hereditary cancer-predisposing syndrome. Last evaluated: 2024-05-22. Review status: criteria provided, single submitter. Criteria: Ambry Variant Classification Scheme 2023. Collection method: clinical testing. Allele origin: germline.
Comment: The p.K1574E variant (also known as c.4720A>G), located in coding exon 10 of the BRCA2 gene, results from an A to G substitution at nucleotide position 4720. The lysine at codon 1574 is replaced by glutamic acid, an amino acid with similar properties. This amino acid position is not well conserved in available vertebrate species. In addition, this alteration is predicted to be tolerated by in silico analysis. Since supporting evidence is limited at this time, the clinical significance of this alteration remains unclear.

University of Washington Department of Laboratory Medicine, University of Washington
Classification: Likely benign for Hereditary cancer-predisposing syndrome. Last evaluated: 2023-03-23. Review status: criteria provided, single submitter. Criteria: Dines et al. (Genet Med. 2020). Collection method: curation. Allele origin: germline.
Comment: Missense variant in a coldspot region where missense variants are very unlikely to be pathogenic (PMID:31911673).

BRCA2 exon 11 coldspot. Reclassification based on statistical prior probability.